The following is an entry in ClinVar:

ClinVar aggregate classification (germline): Uncertain significance. Review status: criteria provided, multiple submitters, no conflicts (2 of 4 stars). 2 submissions from 2 submitters: Uncertain significance (2). Last evaluated 2025-03-19.

Conditions:
NPHP4-related disorder. Also called: NPHP4-related condition; NPHP4-related disorders. Identifiers: MedGen CN239384.
Nephronophthisis. Also called: Juvenile Nephronophthisis. Identifiers: Orphanet 655, MedGen C0687120, MONDO:0019005, HP:0000090.

Allele frequency attached by ClinVar (database versions not stated): ExAC 0.00003.
gnomAD v4.1: 12 of 1,613,628 alleles (0.00074%); highest among the groups gnomAD compares: African/African-American, 0.0027%; no homozygotes.

Submissions (2):

PreventionGenetics, part of Exact Sciences
Classification: Uncertain significance for NPHP4-related condition. Last evaluated: 2025-03-19. Review status: criteria provided, single submitter. Criteria: ACMG Guidelines, 2015. Collection method: clinical testing. Allele origin: germline.
Comment: The NPHP4 c.3301A>G variant is predicted to result in the amino acid substitution p.Thr1101Ala. To our knowledge, this variant has not been reported in the literature. This variant is reported in 0.0035% of alleles in individuals of European (Non-Finnish) descent in gnomAD. At this time, the clinical significance of this variant is uncertain due to the absence of conclusive functional and genetic evidence.

Labcorp Genetics (formerly Invitae), Labcorp
Classification: Uncertain significance for Nephronophthisis. Last evaluated: 2022-08-09. Review status: criteria provided, single submitter. Criteria: Invitae Variant Classification Sherloc (09022015). Collection method: clinical testing. Allele origin: germline.
Comment: This sequence change replaces threonine, which is neutral and polar, with alanine, which is neutral and non-polar, at codon 1101 of the NPHP4 protein (p.Thr1101Ala). This variant is present in population databases (rs372569755, gnomAD 0.004%). This variant has not been reported in the literature in individuals affected with NPHP4-related conditions. ClinVar contains an entry for this variant (Variation ID: 1398608). Algorithms developed to predict the effect of missense changes on protein structure and function output the following: SIFT: "Tolerated"; PolyPhen-2: "Possibly Damaging"; Align-GVGD: "Class C0". The alanine amino acid residue is found in multiple mammalian species, which suggests that this missense change does not adversely affect protein function. In summary, the available evidence is currently insufficient to determine the role of this variant in disease. Therefore, it has been classified as a Variant of Uncertain Significance.

NM_015102.5(NPHP4):c.3301A>G (p.Thr1101Ala)

Gene: NPHP4 (nephrocystin 4; minus strand). Cytogenetic location: 1p36.31.
Variant type: single nucleotide variant.
Coding change: c.3301A>G on transcript NM_015102.5 (MANE Select); coding-DNA position 3301, A replaced by G.
Protein change: p.Thr1101Ala; replaces threonine 1101 with alanine.
Molecular consequence: missense variant. On other transcripts: non-coding transcript variant (1).
Genome position (GRCh38, 1-based): chr1:5,873,266, T>C on the plus strand (A>G on the coding strand, the complement: NPHP4 is on the minus strand). VCF-style: chr1-5873266-T-C. GRCh37 (hg19) VCF-style: chr1-5933326-T-C.
Other names: c.3301A>G (NM_015102.4); c.1762A>G, p.Thr588Ala (NM_001291593.2); c.1765A>G, p.Thr589Ala (NM_001291594.2); short protein forms T588A, T589A, T1101A.
Identifiers: ClinVar variation 1398608 (VCV001398608.4), dbSNP rs372569755, ClinGen allele CA553713.
Genomic context (GRCh38, chr1:5,873,266, plus strand): 5'-TACCCAGGAAGCCCCGAGATCAGTTTGTCCTCCGTTGCCCCTTTACCTTGGCGTGTTTAG[T>C]GGGCACTGCGCTGGACTTCCAAGGTGACACGGCGTCCATGCCCTTCTCGTTGCTCAACCC-3'
Protein context (NP_055917.1, residues 1091-1111): VSPWKSSAVP[Thr1101Ala]KHAKVLFRAS